The following is an entry in ClinVar:

ClinVar aggregate classification (germline): Uncertain significance (1 of 4 stars; one submission).

gnomAD v4.1: 2 of 1,590,340 alleles (0.00013%); highest among the groups gnomAD compares: Non-Finnish European, 0.00017%; no homozygotes.

Submission:

GeneDx
Classification: Uncertain significance. Last evaluated: 2025-07-29. Review status: criteria provided, single submitter. Criteria: GeneDx Variant Classification Process June 2021. Collection method: clinical testing. Allele origin: germline. Affected: yes.
Comment: Not observed at significant frequency in large population cohorts (gnomAD); Alters the last nucleotide of the exon and is predicted to destroy the splice donor site but the effect on protein function is unclear; Has not been previously published as pathogenic or benign to our knowledge

NM_001242896.3(DEPDC5):c.2801G>A (p.Ser934Asn)

Gene: DEPDC5 (DEP domain containing 5, GATOR1 subcomplex subunit; plus strand). Cytogenetic location: 22q12.3.
Variant type: single nucleotide variant.
Coding change: c.2801G>A on transcript NM_001242896.3 (MANE Select); coding-DNA position 2801, G replaced by A.
Protein change: p.Ser934Asn; replaces serine 934 with asparagine.
Molecular consequence: missense variant. On other transcripts: non-coding transcript variant (5).
Genome position (GRCh38, 1-based): chr22:31,843,812, G>A. VCF-style: chr22-31843812-G-A. GRCh37 (hg19) VCF-style: chr22-32239798-G-A.
Other names: c.2774G>A, p.Ser925Asn (NM_001136029.4, NM_001369903.1, NM_014662.6); c.2567G>A, p.Ser856Asn (NM_001242897.2, NM_001363854.2, NM_001364319.2); c.2801G>A, p.Ser934Asn (NM_001363852.2, NM_001364318.2, NM_001364320.2); c.2717G>A, p.Ser906Asn (NM_001369901.1, NM_001369902.1); short protein forms S856N, S906N, S925N, S934N.
Identifiers: ClinVar variation 4689850 (VCV004689850.1).